The following is an entry in ClinVar:

NM_015046.7(SETX):c.6554A>T (p.Gln2185Leu)

Gene: SETX (senataxin; minus strand). Cytogenetic location: 9q34.13.
Variant type: single nucleotide variant.
Coding change: c.6554A>T on transcript NM_015046.7 (MANE Select); coding-DNA position 6554, A replaced by T.
Protein change: p.Gln2185Leu; replaces glutamine 2185 with leucine.
Molecular consequence: missense variant.
Genome position (GRCh38, 1-based): chr9:132,281,567, T>A on the plus strand (A>T on the coding strand, the complement: SETX is on the minus strand). VCF-style: chr9-132281567-T-A. GRCh37 (hg19) VCF-style: chr9-135156954-T-A.
Other names: c.6554A>T, p.Gln2185Leu (NM_001351527.2, NM_001351528.2); short protein forms Q2185L.
Identifiers: ClinVar variation 840457 (VCV000840457.11), dbSNP rs1843510567, ClinGen allele CA375333852.
Genomic context (GRCh38, chr9:132,281,567, plus strand): 5'-ACTAGGATGAGCTTATTGCAGCGATGGATGAGTGGAGTAAGAGTCTCAATTTCACAAGAC[T>A]GTCCAGCCTTGGTAAGATACAGAAGAGAGAGGCAGTCTTAACAATCTTTGCTATTTATCC-3'
Protein context (NP_055861.3, residues 2175-2195): FSCVIVDEAG[Gln2185Leu]SCEIETLTPL

ClinVar aggregate classification (germline): Uncertain significance. Review status: criteria provided, multiple submitters, no conflicts (2 of 4 stars). 2 submissions from 2 submitters: Uncertain significance (2). Last evaluated 2025-10-28.

Conditions:
Spinocerebellar ataxia, autosomal recessive, with axonal neuropathy 2 (SCAN2). Also called: Ataxia-ocular apraxia-2; ATAXIA-OCULOMOTOR APRAXIA 2; Ataxia with Oculomotor Apraxia; Ataxia with Oculomotor Apraxia Type 2. Identifiers: Orphanet 64753, MedGen C1853761, MONDO:0018996, OMIM 606002.
Amyotrophic lateral sclerosis type 4 (ALS4). Also called: AMYOTROPHIC LATERAL SCLEROSIS 4, JUVENILE; NEURONOPATHY, DISTAL HEREDITARY MOTOR, WITH PYRAMIDAL FEATURES. Identifiers: Orphanet 357043, MedGen C1865409, MONDO:0011223, OMIM 602433.

Submissions (2):

Athena Diagnostics
Classification: Uncertain significance. Last evaluated: 2025-10-28. Review status: criteria provided, single submitter. Criteria: Athena Diagnostics Criteria. Collection method: clinical testing. Allele origin: unknown.
Comment: Available data are insufficient to determine the clinical significance of the variant at this time. This variant has not been reported in large, multi-ethnic general populations. Polyphen and MutationTaster predict this amino acid change may be damaging to the protein.

Labcorp Genetics (formerly Invitae), Labcorp
Classification: Uncertain significance for Amyotrophic lateral sclerosis type 4; Spinocerebellar ataxia, autosomal recessive, with axonal neuropathy 2. Last evaluated: 2019-12-11. Review status: criteria provided, single submitter. Criteria: Invitae Variant Classification Sherloc (09022015). Collection method: clinical testing. Allele origin: germline.
Comment: In summary, the available evidence is currently insufficient to determine the role of this variant in disease. Therefore, it has been classified as a Variant of Uncertain Significance. Algorithms developed to predict the effect of missense changes on protein structure and function are either unavailable or do not agree on the potential impact of this missense change (SIFT: "Deleterious"; PolyPhen-2: "Probably Damaging"; Align-GVGD: "Class C0"). This variant has not been reported in the literature in individuals with SETX-related conditions. This variant is not present in population databases (ExAC no frequency). This sequence change replaces glutamine with leucine at codon 2185 of the SETX protein (p.Gln2185Leu). The glutamine residue is highly conserved and there is a moderate physicochemical difference between glutamine and leucine.